The following is an entry in ClinVar:

NM_130839.5(UBE3A):c.343G>A (p.Ala115Thr)

Genes: SNHG14 (small nucleolar RNA host gene 14; plus strand), UBE3A (ubiquitin protein ligase E3A; minus strand). Cytogenetic location: 15q11.2.
Variant type: single nucleotide variant.
Coding change: c.343G>A on transcript NM_130839.5 (MANE Select); coding-DNA position 343, G replaced by A.
Protein change: p.Ala115Thr; replaces alanine 115 with threonine.
Molecular consequence: missense variant. On other transcripts: non-coding transcript variant (1).
Genome position (GRCh38, 1-based): chr15:25,375,483, C>T on the plus strand (G>A on the coding strand, the complement: UBE3A is on the minus strand). VCF-style: chr15-25375483-C-T. GRCh37 (hg19) VCF-style: chr15-25620630-C-T.
Other names: c.352G>A, p.Ala118Thr (NM_000462.5); c.343G>A, p.Ala115Thr (NM_001354505.1, NM_001354538.2, NM_001354545.2 and 1 more transcripts); c.283G>A, p.Ala95Thr (NM_001354506.2, NM_001354507.2, NM_001354508.2 and 18 more transcripts); c.166G>A, p.Ala56Thr (NM_001354546.2); short protein forms A118T, A56T, A95T, A115T.
Identifiers: ClinVar variation 845079 (VCV000845079.10), dbSNP rs376815580, ClinGen allele CA7435665.

ClinVar aggregate classification (germline): Conflicting classifications of pathogenicity. Review status: criteria provided, conflicting classifications (1 of 4 stars). 2 submissions from 2 submitters: Uncertain significance (1); Likely benign (1). Last evaluated 2025-09-14.

Conditions:
Inborn genetic diseases. Identifiers: MedGen C0950123, MeSH D030342.
Angelman syndrome (AS). Also called: HAPPY PUPPET SYNDROME. Identifiers: Orphanet 72, MedGen C0162635, MONDO:0007113, OMIM 105830. Disease mechanism: loss of function. Inheritance: imprinting disorder, AS is caused by disruption of maternally imprinted UBE3A located within the 15q11.2-q13 Angelman syndrome/Prader-Willi syndrome (AS/PWS) region..

Allele frequency attached by ClinVar (database versions not stated): ExAC 0.00003; TOPMed 0.00006; ESP Exome Variant Server 0.00008.
gnomAD v4.1: 25 of 1,613,978 alleles (0.0015%); highest among the groups gnomAD compares: African/African-American, 0.015%; no homozygotes.

Submissions (2):

Labcorp Genetics (formerly Invitae), Labcorp
Classification: Uncertain significance for Angelman syndrome. Last evaluated: 2025-09-14. Review status: criteria provided, single submitter. Criteria: Invitae Variant Classification Sherloc (09022015). Collection method: clinical testing. Allele origin: germline.
Comment: This sequence change replaces alanine, which is neutral and non-polar, with threonine, which is neutral and polar, at codon 95 of the UBE3A protein (p.Ala95Thr). This variant is present in population databases (rs376815580, gnomAD 0.02%). This variant has not been reported in the literature in individuals affected with UBE3A-related conditions. ClinVar contains an entry for this variant (Variation ID: 845079). Invitae Evidence Modeling of protein sequence and biophysical properties (such as structural, functional, and spatial information, amino acid conservation, physicochemical variation, residue mobility, and thermodynamic stability) indicates that this missense variant is not expected to disrupt UBE3A protein function with a negative predictive value of 95%. In summary, the available evidence is currently insufficient to determine the role of this variant in disease. Therefore, it has been classified as a Variant of Uncertain Significance.

Ambry Genetics
Classification: Likely benign for Inborn genetic diseases. Last evaluated: 2023-10-10. Review status: criteria provided, single submitter. Criteria: Ambry Variant Classification Scheme 2023. Collection method: clinical testing. Allele origin: germline.